The following is an entry in ClinVar:

ClinVar aggregate classification (germline): Conflicting classifications of pathogenicity. Review status: criteria provided, conflicting classifications (1 of 4 stars). 2 submissions from 2 submitters: Uncertain significance (1); Likely benign (1). Last evaluated 2025-10-01.

Conditions:
Familial sleep-related hypermotor epilepsy. Also called: Autosomal Dominant Sleep-Related Hypermotor (Hyperkinetic) Epilepsy. Identifiers: Orphanet 98784, MedGen C3696898, MONDO:0000030.

Allele frequency attached by ClinVar (database versions not stated): gnomAD exomes 0.00001 and 0.00002; ExAC 0.00004; TOPMed below 0.00001; gnomAD 0.00001.
gnomAD v4.1: 13 of 1,614,092 alleles (0.00081%); highest among the groups gnomAD compares: East Asian, 0.011%; no homozygotes.

Submissions (2):

Labcorp Genetics (formerly Invitae), Labcorp
Classification: Likely benign. Last evaluated: 2025-10-01. Review status: criteria provided, single submitter. Criteria: Invitae Variant Classification Sherloc (09022015). Collection method: clinical testing. Allele origin: germline.

GeneDx
Classification: Uncertain significance. Last evaluated: 2016-08-26. Review status: criteria provided, single submitter. Criteria: GeneDx Variant Classification (06012015). Collection method: clinical testing. Allele origin: germline. Affected: yes.
Comment: A variant of uncertain significance has been identified in the CHRNA2 gene. The G518S variant has not been published as a pathogenic variant, nor has it been reported as a benign variant to our knowledge. It was not observed in approximately 6,500 individuals of European and African American ancestry in the NHLBI Exome Sequencing Project, indicating it is not a common benign variant in these populations. The G518S variant is a non-conservative amino acid substitution, which is likely to impact secondary protein structure as these residues differ in polarity, charge, size and/or other properties. This substitution occurs at a position that is conserved across species, and in silico analysis predicts this variant is probably damaging to the protein structure/function. However, this amino acid substitution is not predicted to occur within the transmembrane region of the protein, where the vast majority of pathogenic missense variants have been identified in association with epilepsy (Steinlein et al., 2010). Therefore, based on the currently available information, it is unclear whether this variant is a pathogenic variant or a rare benign variant.

NM_000742.4(CHRNA2):c.1552G>A (p.Gly518Ser)

Gene: CHRNA2 (cholinergic receptor nicotinic alpha 2 subunit; minus strand). Cytogenetic location: 8p21.2.
Variant type: single nucleotide variant.
Coding change: c.1552G>A on transcript NM_000742.4 (MANE Select); coding-DNA position 1552, G replaced by A.
Protein change: p.Gly518Ser; replaces glycine 518 with serine.
Molecular consequence: missense variant.
Genome position (GRCh38, 1-based): chr8:27,461,667, C>T on the plus strand (G>A on the coding strand, the complement: CHRNA2 is on the minus strand). VCF-style: chr8-27461667-C-T. GRCh37 (hg19) VCF-style: chr8-27319184-C-T.
Other names: c.1507G>A, p.Gly503Ser (NM_001282455.2); c.1075G>A, p.Gly359Ser (NM_001347705.2, NM_001347706.2); c.958G>A, p.Gly320Ser (NM_001347707.2, NM_001347708.2); short protein forms G518S, G320S, G503S, G359S.
Identifiers: ClinVar variation 422114 (VCV000422114.9), dbSNP rs755631456, ClinGen allele CA4689407.
Genomic context (GRCh38, chr8:27,461,667, plus strand): 5'-AGCCAGCTCGAGGGAGGTGCAGTCAGATCATTCCAGCTAGGAACGGAGGCAGAAAGAGGC[C>T]GATGGTCCCCAGGAAGCAGACGATGATAAACAGCCAGAGGAAGATCCTGTCGATGACCAT-3'
Protein context (NP_000733.2, residues 508-528): FIIVCFLGTI[Gly518Ser]LFLPPFLAGM